The following is an entry in ClinVar:

ClinVar aggregate classification (germline): Uncertain significance. Review status: criteria provided, multiple submitters, no conflicts (2 of 4 stars). 2 submissions from 2 submitters: Uncertain significance (2). Last evaluated 2025-06-04.

Conditions:
Cystic fibrosis (CF). Also called: MUCOVISCIDOSIS. Identifiers: Orphanet 586, MedGen C0010674, MONDO:0009061, OMIM 219700. Disease mechanism: loss of function.
CFTR-related disorder (CFTR-RD). Also called: CFTR-related condition; CFTR-related disorders. Identifiers: MedGen C5924204, MONDO:7770004.

Submissions (2):

PreventionGenetics, part of Exact Sciences
Classification: Uncertain significance for CFTR-related condition. Last evaluated: 2025-06-04. Review status: criteria provided, single submitter. Criteria: ACMG Guidelines, 2015. Collection method: clinical testing. Allele origin: germline.
Comment: The CFTR c.2021A>G variant is predicted to result in the amino acid substitution p.Asp674Gly. To our knowledge, this variant has not been reported in the literature. This variant is reported in 0.0058% of alleles in individuals of Latino descent in gnomAD. At this time, the clinical significance of this variant is uncertain due to the absence of conclusive functional and genetic evidence.

Ambry Genetics
Classification: Uncertain significance for Cystic fibrosis. Last evaluated: 2024-03-23. Review status: criteria provided, single submitter. Criteria: Ambry Variant Classification Scheme 2023. Collection method: clinical testing. Allele origin: germline.
Comment: The p.D674G variant (also known as c.2021A>G), located in coding exon 14 of the CFTR gene, results from an A to G substitution at nucleotide position 2021. The aspartic acid at codon 674 is replaced by glycine, an amino acid with similar properties. This amino acid position is conserved. In addition, the in silico prediction for this alteration is inconclusive. Based on the available evidence, the clinical significance of this alteration remains unclear.

NM_000492.4(CFTR):c.2021A>G (p.Asp674Gly)

Gene: CFTR (CF transmembrane conductance regulator; plus strand). Cytogenetic location: 7q31.2.
Variant type: single nucleotide variant.
Coding change: c.2021A>G on transcript NM_000492.4 (MANE Select); coding-DNA position 2021, A replaced by G.
Protein change: p.Asp674Gly; replaces aspartic acid 674 with glycine.
Molecular consequence: missense variant.
Genome position (GRCh38, 1-based): chr7:117,592,188, A>G. VCF-style: chr7-117592188-A-G. GRCh37 (hg19) VCF-style: chr7-117232242-A-G.
Other names: short protein forms D674G.
Identifiers: ClinVar variation 3266630 (VCV003266630.2).